The following is an entry in ClinVar:

ClinVar aggregate classification (germline): Pathogenic/Likely pathogenic. Review status: criteria provided, multiple submitters, no conflicts (2 of 4 stars). 2 submissions from 2 submitters: Pathogenic (1); Likely pathogenic (1). Last evaluated 2024-05-05.

Conditions:
Lymphoproliferative syndrome 2 (LPFS2). Also called: Combined immunodeficiency due to CD27 deficiency; CD27 DEFICIENCY. Identifiers: Orphanet 238505, MedGen C3554540, MONDO:0014054, OMIM 615122.

Submissions (2):

Labcorp Genetics (formerly Invitae), Labcorp
Classification: Pathogenic for Lymphoproliferative syndrome 2. Last evaluated: 2024-05-05. Review status: criteria provided, single submitter. Criteria: Invitae Variant Classification Sherloc (09022015). Collection method: clinical testing. Allele origin: germline.
Comment: This sequence change creates a premature translational stop signal (p.Asp52Thrfs*77) in the CD27 gene. It is expected to result in an absent or disrupted protein product. Loss-of-function variants in CD27 are known to be pathogenic (PMID: 25843314). This variant is present in population databases (rs781593353, gnomAD 0.002%). This variant has not been reported in the literature in individuals affected with CD27-related conditions. ClinVar contains an entry for this variant (Variation ID: 871276). For these reasons, this variant has been classified as Pathogenic.

CeGaT Center for Human Genetics Tuebingen
Classification: Likely pathogenic. Last evaluated: 2019-10-01. Review status: criteria provided, single submitter. Criteria: CeGaT Center For Human Genetics Tuebingen Variant Classification Criteria Version 2. Collection method: clinical testing. Allele origin: germline. Affected: yes. Observed: 1 variant allele.

Literature cited by the submitters: PubMed 25843314 (cited by Labcorp Genetics (formerly Invitae), Labcorp).

NM_001242.5(CD27):c.154del (p.Asp52fs)

Genes: CD27 (CD27 molecule; plus strand), CD27-AS1 (CD27 antisense RNA 1; minus strand). Cytogenetic location: 12p13.31.
Variant type: Deletion.
Coding change: c.154del on transcript NM_001242.5 (MANE Select); coding-DNA position 154, one base deleted (G; older notation c.154delG).
Protein change: p.Asp52fs; shifts the reading frame from aspartic acid 52.
Molecular consequence: frameshift variant.
Genome position (GRCh38, 1-based): chr12:6,445,441, G deleted; the last of 2 consecutive G bases (chr12:6,445,440-6,445,441); deleting either gives the same sequence. VCF-style (leftmost placement, unchanged base first): chr12-6445439-AG-A. GRCh37 (hg19) VCF-style: chr12-6554605-AG-A.
Other names: short protein forms D52fs.
Identifiers: ClinVar variation 871276 (VCV000871276.44), dbSNP rs781593353, ClinGen allele CA6406893.